The following is an entry in ClinVar:

NM_000094.4(COL7A1):c.7266_7272+6del

Gene: COL7A1 (collagen type VII alpha 1 chain; minus strand). Cytogenetic location: 3p21.31.
Variant type: Deletion.
Coding change: c.7266_7272+6del on transcript NM_000094.4 (MANE Select); coding-DNA position 7266 through 6 bases into the intron after coding-DNA position 7272, 13 bases deleted (AGAGCGGGTGAGG).
Molecular consequence: splice donor variant.
Genome position (GRCh38, 1-based): chr3:48,570,855-48,570,867, CCTCACCCGCTCT deleted on the plus strand (AGAGCGGGTGAGG on the coding strand, the reverse complement: COL7A1 is on the minus strand); deleting any 13 consecutive bases within chr3:48,570,855-48,570,869 gives the same sequence; the c. name uses the placement nearest the transcript's 3' end. VCF-style (leftmost placement, unchanged base first): chr3-48570854-CCCTCACCCGCTCT-C. GRCh37 (hg19) VCF-style: chr3-48608287-CCCTCACCCGCTCT-C.
Identifiers: ClinVar variation 2766401 (VCV002766401.3), dbSNP rs2530870419, ClinGen allele CA2697550906.

ClinVar aggregate classification (germline): Likely pathogenic (1 of 4 stars; one submission).

Submission:

Labcorp Genetics (formerly Invitae), Labcorp
Classification: Likely pathogenic. Last evaluated: 2023-10-06. Review status: criteria provided, single submitter. Criteria: Invitae Variant Classification Sherloc (09022015). Collection method: clinical testing. Allele origin: germline.
Comment: This variant results in the deletion of part of exon 94 (c.7266_7272+6del) of the COL7A1 gene. It is expected to disrupt splicing. Variants that disrupt the donor or acceptor splice site typically lead to a loss of protein function (PMID: 16199547), and loss-of-function variants in COL7A1 are known to be disease-causing for autosomal recessive dystrophic epidermolysis bullosa (PMID: 16971478). However, certain variants affecting donor or acceptor splice sites in the triple helical domain of COL7A1 are expected to result in in-frame exon skipping and have been reported to cause autosomal dominant dystrophic epidermolysis bullosa (PMID: 31670143). This variant is not present in population databases (gnomAD no frequency). This variant has not been reported in the literature in individuals affected with COL7A1-related conditions. Experimental studies and prediction algorithms are not available or were not evaluated, and the effect of this variant on mRNA splicing is currently unknown. In summary, the currently available evidence indicates that the variant is pathogenic, but additional data are needed to prove that conclusively. Therefore, this variant has been classified as Likely Pathogenic.

Literature cited by the submitters: PubMed 16199547; PubMed 16971478; PubMed 31670143.